The following is an entry in ClinVar:

NM_014049.5(ACAD9):c.1636_1650dup (p.Ala550_Ser551insValLeuSerArgAla)

Genes: ACAD9 (acyl-CoA dehydrogenase family member 9; plus strand), CFAP92 (cilia and flagella associated protein 92 (putative); minus strand). Cytogenetic location: 3q21.3.
Variant type: Duplication.
Coding change: c.1636_1650dup on transcript NM_014049.5 (MANE Select); coding-DNA positions 1636 to 1650, 15 bases duplicated (GTGCTGTCGCGGGCC).
Protein change: p.Ala550_Ser551insValLeuSerArgAla.
Molecular consequence: inframe insertion. On other transcripts: non-coding transcript variant (1), 3 prime UTR variant (3).
Genome position (GRCh38, 1-based): chr3:128,910,093-128,910,107, GTGCTGTCGCGGGCC duplicated; duplicating any 15 consecutive bases within chr3:128,910,089-128,910,107 gives the same sequence; the c. name uses the placement nearest the transcript's 3' end. VCF-style (leftmost placement, unchanged base first): chr3-128910088-C-CGGCCGTGCTGTCGCG. GRCh37 (hg19) VCF-style: chr3-128628931-C-CGGCCGTGCTGTCGCG.
Other names: c.1267_1281dup, p.Ala427_Ser428insValLeuSerArgAla (NM_001410805.1); c.*196_*210dup (NM_001348520.2, NM_001348521.2, NM_001394090.1).
Identifiers: ClinVar variation 2025921 (VCV002025921.4), dbSNP rs2529283362, ClinGen allele CA2580068743.

ClinVar aggregate classification (germline): Uncertain significance (1 of 4 stars; one submission).

Submission:

Labcorp Genetics (formerly Invitae), Labcorp
Classification: Uncertain significance. Last evaluated: 2022-08-21. Review status: criteria provided, single submitter. Criteria: Invitae Variant Classification Sherloc (09022015). Collection method: clinical testing. Allele origin: germline.
Comment: This variant, c.1636_1650dup, results in the insertion of 5 amino acid(s) of the ACAD9 protein (p.Val546_Ala550dup), but otherwise preserves the integrity of the reading frame. This variant is not present in population databases (gnomAD no frequency). This variant has not been reported in the literature in individuals affected with ACAD9-related conditions. In summary, the available evidence is currently insufficient to determine the role of this variant in disease. Therefore, it has been classified as a Variant of Uncertain Significance.